The following is an entry in ClinVar:

ClinVar aggregate classification (germline): Uncertain significance (1 of 4 stars; one submission).

Conditions:
KBG syndrome (KBGS). Also called: ANKRD11-Related KBG Syndrome. Identifiers: Orphanet 2332, MedGen C0220687, MONDO:0007846, OMIM 148050.

gnomAD v4.1: 2 of 1,438,038 alleles (0.00014%); highest among the groups gnomAD compares: African/African-American, 0.0029%; no homozygotes.

Submission:

Labcorp Genetics (formerly Invitae), Labcorp
Classification: Uncertain significance for KBG syndrome. Last evaluated: 2025-06-04. Review status: criteria provided, single submitter. Criteria: Invitae Variant Classification Sherloc (09022015). Collection method: clinical testing. Allele origin: germline.
Comment: This sequence change replaces proline, which is neutral and non-polar, with alanine, which is neutral and non-polar, at codon 2306 of the ANKRD11 protein (p.Pro2306Ala). This variant is not present in population databases (gnomAD no frequency). This variant has not been reported in the literature in individuals affected with ANKRD11-related conditions. Invitae Evidence Modeling of protein sequence and biophysical properties (such as structural, functional, and spatial information, amino acid conservation, physicochemical variation, residue mobility, and thermodynamic stability) indicates that this missense variant is not expected to disrupt ANKRD11 protein function with a negative predictive value of 95%. In summary, the available evidence is currently insufficient to determine the role of this variant in disease. Therefore, it has been classified as a Variant of Uncertain Significance.

NM_013275.6(ANKRD11):c.6916C>G (p.Pro2306Ala)

Gene: ANKRD11 (ankyrin repeat domain 11; minus strand). Cytogenetic location: 16q24.3.
Variant type: single nucleotide variant.
Coding change: c.6916C>G on transcript NM_013275.6 (MANE Select); coding-DNA position 6916, C replaced by G.
Protein change: p.Pro2306Ala; replaces proline 2306 with alanine.
Molecular consequence: missense variant.
Genome position (GRCh38, 1-based): chr16:89,279,626, G>C on the plus strand (C>G on the coding strand, the complement: ANKRD11 is on the minus strand). VCF-style: chr16-89279626-G-C. GRCh37 (hg19) VCF-style: chr16-89346034-G-C.
Other names: c.6916C>G, p.Pro2306Ala (NM_001256182.2, NM_001256183.2); short protein forms P2306A.
Identifiers: ClinVar variation 4706529 (VCV004706529.1).